The following is an entry in ClinVar:

NM_005732.4(RAD50):c.1438G>A (p.Glu480Lys)

Gene: RAD50 (RAD50 double strand break repair protein; plus strand). Cytogenetic location: 5q31.1.
Variant type: single nucleotide variant.
Coding change: c.1438G>A on transcript NM_005732.4 (MANE Select); coding-DNA position 1438, G replaced by A.
Protein change: p.Glu480Lys; replaces glutamic acid 480 with lysine.
Molecular consequence: missense variant.
Genome position (GRCh38, 1-based): chr5:132,589,823, G>A. VCF-style: chr5-132589823-G-A. GRCh37 (hg19) VCF-style: chr5-131925515-G-A.
Other names: short protein forms E480K.
Identifiers: ClinVar variation 3224939 (VCV003224939.1), dbSNP rs2479637482, ClinGen allele CA360944912.

ClinVar aggregate classification (germline): Uncertain significance (1 of 4 stars; one submission).

Conditions:
Hereditary cancer-predisposing syndrome. Also called: Neoplastic Syndromes, Hereditary; Tumor predisposition; Hereditary neoplastic syndrome; Hereditary Cancer Syndrome. Identifiers: Orphanet 140162, MedGen C0027672, MeSH D009386, MONDO:0015356.

Submission:

Ambry Genetics
Classification: Uncertain significance for Hereditary cancer-predisposing syndrome. Last evaluated: 2023-12-14. Review status: criteria provided, single submitter. Criteria: Ambry Variant Classification Scheme 2023. Collection method: clinical testing. Allele origin: germline.
Comment: The p.E480K variant (also known as c.1438G>A), located in coding exon 9 of the RAD50 gene, results from a G to A substitution at nucleotide position 1438. The glutamic acid at codon 480 is replaced by lysine, an amino acid with similar properties. This amino acid position is conserved. In addition, the in silico prediction for this alteration is inconclusive. Since supporting evidence is limited at this time, the clinical significance of this alteration remains unclear.